The following is an entry in ClinVar:

ClinVar aggregate classification (germline): Uncertain significance. Review status: criteria provided, multiple submitters, no conflicts (2 of 4 stars). 2 submissions from 2 submitters: Uncertain significance (2). Last evaluated 2024-09-23.

Allele frequency attached by ClinVar (database versions not stated): TOPMed 0.00001; ExAC 0.00011.
gnomAD v4.1: 87 of 1,614,046 alleles (0.0054%); highest among the groups gnomAD compares: South Asian, 0.029%; no homozygotes.

Submissions (2):

Blueprint Genetics
Classification: Uncertain significance. Last evaluated: 2024-09-23. Review status: criteria provided, single submitter. Criteria: ACMG Guidelines, 2015. Collection method: clinical testing. Allele origin: germline.

Labcorp Genetics (formerly Invitae), Labcorp
Classification: Uncertain significance. Last evaluated: 2022-06-04. Review status: criteria provided, single submitter. Criteria: Invitae Variant Classification Sherloc (09022015). Collection method: clinical testing. Allele origin: germline.
Comment: This sequence change replaces valine, which is neutral and non-polar, with methionine, which is neutral and non-polar, at codon 208 of the GRM6 protein (p.Val208Met). This variant is present in population databases (rs776167510, gnomAD 0.04%). This variant has not been reported in the literature in individuals affected with GRM6-related conditions. Advanced modeling of protein sequence and biophysical properties (such as structural, functional, and spatial information, amino acid conservation, physicochemical variation, residue mobility, and thermodynamic stability) performed at Invitae indicates that this missense variant is expected to disrupt GRM6 protein function. In summary, the available evidence is currently insufficient to determine the role of this variant in disease. Therefore, it has been classified as a Variant of Uncertain Significance.

NM_000843.4(GRM6):c.622G>A (p.Val208Met)

Gene: GRM6 (glutamate metabotropic receptor 6; minus strand). Cytogenetic location: 5q35.3.
Variant type: single nucleotide variant.
Coding change: c.622G>A on transcript NM_000843.4 (MANE Select); coding-DNA position 622, G replaced by A.
Protein change: p.Val208Met; replaces valine 208 with methionine.
Molecular consequence: missense variant.
Genome position (GRCh38, 1-based): chr5:178,991,966, C>T on the plus strand (G>A on the coding strand, the complement: GRM6 is on the minus strand). VCF-style: chr5-178991966-C-T. GRCh37 (hg19) VCF-style: chr5-178418967-C-T.
Other names: short protein forms V208M.
Identifiers: ClinVar variation 1979154 (VCV001979154.2), dbSNP rs776167510, ClinGen allele CA3594476.